The following is an entry in ClinVar:

NM_000204.5(CFI):c.355G>T (p.Gly119Ter)

Gene: CFI (complement factor I; minus strand). Cytogenetic location: 4q25.
Variant type: single nucleotide variant.
Coding change: c.355G>T on transcript NM_000204.5 (MANE Select); coding-DNA position 355, G replaced by T.
Protein change: p.Gly119Ter; replaces glycine 119 with a stop codon.
Molecular consequence: nonsense. On other transcripts: non-coding transcript variant (3), intron variant (1).
Genome position (GRCh38, 1-based): chr4:109,764,664, C>A on the plus strand (G>T on the coding strand, the complement: CFI is on the minus strand). VCF-style: chr4-109764664-C-A. GRCh37 (hg19) VCF-style: chr4-110685820-C-A.
Other names: c.355G>T, p.Gly119Ter (NM_001318057.2, NM_001331035.2, NM_001375278.1 and 10 more transcripts); c.-127-2972G>T (NM_001375284.1); short protein forms G119*.
Identifiers: ClinVar variation 4280538 (VCV004280538.1).

ClinVar aggregate classification (germline): Pathogenic, low penetrance (1 of 4 stars; one submission).

Conditions:
CFI-related disorder. Also called: CFI-related condition; CFI-related disorders. Identifiers: MedGen CN239325.

Submission:

Genomenon, Inc
Classification: Pathogenic, low penetrance for CFI-related disorder. Last evaluated: 2025-09-26. Review status: criteria provided, single submitter. Criteria: Genomenon Sequence Variant Interpretation Standards - Updated. Collection method: curation. Allele origin: germline. Affected: yes.
Comment: CFI p.Gly119Ter (c.355G>T) is a nonsense variant that introduces a premature stop codon at amino acid position 119, creating a truncated protein that is predicted to undergo nonsense-mediated mRNA decay. This variant has been observed in at least one proband affected with complement factor I deficiency (PMID:32853637). It is absent or not present at a significant frequency in gnomAD. In conclusion, we classify CFI p.Gly119Ter (c.355G>T) as a pathogenic, low penetrance variant.

Literature cited by the submitters: PubMed 32853637.